The following is an entry in ClinVar:

ClinVar aggregate classification (germline): Uncertain significance (1 of 4 stars; one submission).

Conditions:
Arginine:glycine amidinotransferase deficiency (CCDS3). Also called: AGAT deficiency; L-Arginine:Glycine Amidinotransferase Deficiency; Cerebral creatine deficiency syndrome 3; Creatine deficiency syndrome due to AGAT deficiency; GATM deficiency; L-Arginine:Glycine Amidinotransferase (AGAT) Deficiency. Identifiers: Orphanet 35704, MedGen C2675179, MONDO:0012996, OMIM 612718.

Submission:

Labcorp Genetics (formerly Invitae), Labcorp
Classification: Uncertain significance for Arginine:glycine amidinotransferase deficiency. Last evaluated: 2024-11-24. Review status: criteria provided, single submitter. Criteria: Invitae Variant Classification Sherloc (09022015). Collection method: clinical testing. Allele origin: germline.
Comment: This sequence change falls in intron 4 of the GATM gene. It does not directly change the encoded amino acid sequence of the GATM protein. It affects a nucleotide within the consensus splice site. This variant is not present in population databases (gnomAD no frequency). This variant has not been reported in the literature in individuals affected with GATM-related conditions. Variants that disrupt the consensus splice site are a relatively common cause of aberrant splicing (PMID: 17576681, 9536098). Algorithms developed to predict the effect of sequence changes on RNA splicing suggest that this variant is not likely to affect RNA splicing. In summary, the available evidence is currently insufficient to determine the role of this variant in disease. Therefore, it has been classified as a Variant of Uncertain Significance.

Literature cited by the submitters: PubMed 17576681; PubMed 9536098.

NM_001482.3(GATM):c.675_675+3dup

Gene: GATM (glycine amidinotransferase; minus strand). Cytogenetic location: 15q21.1.
Variant type: Duplication.
Coding change: c.675_675+3dup on transcript NM_001482.3 (MANE Select); coding-DNA position 675 through 3 bases into the intron after coding-DNA position 675, 4 bases duplicated (GGTG; older notation c.675_675+3dupGGTG).
Molecular consequence: splice donor variant.
Genome position (GRCh38, 1-based): chr15:45,368,067-45,368,070, CACC duplicated on the plus strand (GGTG on the coding strand, the reverse complement: GATM is on the minus strand). VCF-style (leftmost placement, unchanged base first): chr15-45368066-T-TCACC. GRCh37 (hg19) VCF-style: chr15-45660264-T-TCACC.
Other names: c.288_288+3dup (NM_001321015.2).
Identifiers: ClinVar variation 3725922 (VCV003725922.2).